The following is an entry in ClinVar:

NM_006231.4(POLE):c.5131C>A (p.Gln1711Lys)

Gene: POLE (DNA polymerase epsilon, catalytic subunit; minus strand). Cytogenetic location: 12q24.33.
Variant type: single nucleotide variant.
Coding change: c.5131C>A on transcript NM_006231.4 (MANE Select); coding-DNA position 5131, C replaced by A.
Protein change: p.Gln1711Lys; replaces glutamine 1711 with lysine.
Molecular consequence: missense variant.
Genome position (GRCh38, 1-based): chr12:132,642,219, G>T on the plus strand (C>A on the coding strand, the complement: POLE is on the minus strand). VCF-style: chr12-132642219-G-T. GRCh37 (hg19) VCF-style: chr12-133218805-G-T.
Other names: short protein forms Q1711K.
Identifiers: ClinVar variation 565989 (VCV000565989.18), dbSNP rs774619692, ClinGen allele CA6892622.

ClinVar aggregate classification (germline): Conflicting classifications of pathogenicity. Review status: criteria provided, conflicting classifications (1 of 4 stars). 4 submissions from 4 submitters: Uncertain significance (3); Likely benign (1). Last evaluated 2026-01-17.

Conditions:
Colorectal cancer, susceptibility to, 12 (CRCS12). Also called: COLORECTAL CANCER, SUSCEPTIBILITY TO, ON CHROMOSOME 12q24. Identifiers: Orphanet 220460, MedGen C3554460, MONDO:0014038, OMIM 615083.
Facial dysmorphism-immunodeficiency-livedo-short stature syndrome. Also called: Facial dysmorphism, immunodeficiency, livedo, and short stature; FILS syndrome. Identifiers: Orphanet 352712, MedGen C3554576, MONDO:0014058, OMIM 615139.
Intrauterine growth retardation, metaphyseal dysplasia, adrenal hypoplasia congenita, genital anomalies, and immunodeficiency. Also called: IMAGEI SYNDROME. Identifiers: MedGen C5193036, MONDO:0032684, OMIM 618336.
Hereditary cancer-predisposing syndrome. Also called: Hereditary neoplastic syndrome; Neoplastic Syndromes, Hereditary; Tumor predisposition; Hereditary Cancer Syndrome. Identifiers: Orphanet 140162, MedGen C0027672, MeSH D009386, MONDO:0015356.

Allele frequency attached by ClinVar (database versions not stated): TOPMed below 0.00001; gnomAD 0.00001 and 0.00002; ExAC 0.00049.

Submissions (4):

Labcorp Genetics (formerly Invitae), Labcorp
Classification: Uncertain significance. Last evaluated: 2026-01-17. Review status: criteria provided, single submitter. Criteria: Invitae Variant Classification Sherloc (09022015). Collection method: clinical testing. Allele origin: germline.
Comment: This sequence change replaces glutamine, which is neutral and polar, with lysine, which is basic and polar, at codon 1711 of the POLE protein (p.Gln1711Lys). The frequency data for this variant in the population databases is considered unreliable, as metrics indicate poor data quality at this position in the gnomAD database. This variant has not been reported in the literature in individuals affected with POLE-related conditions. ClinVar contains an entry for this variant (Variation ID: 565989). Invitae Evidence Modeling of protein sequence and biophysical properties (such as structural, functional, and spatial information, amino acid conservation, physicochemical variation, residue mobility, and thermodynamic stability) indicates that this missense variant is not expected to disrupt POLE protein function with a negative predictive value of 80%. In summary, the available evidence is currently insufficient to determine the role of this variant in disease. Therefore, it has been classified as a Variant of Uncertain Significance.

Ambry Genetics
Classification: Likely benign for Hereditary cancer-predisposing syndrome. Last evaluated: 2021-12-24. Review status: criteria provided, single submitter. Criteria: Ambry Variant Classification Scheme 2023. Collection method: clinical testing. Allele origin: germline.

GeneDx
Classification: Uncertain significance. Last evaluated: 2021-07-12. Review status: criteria provided, single submitter. Criteria: GeneDx Variant Classification Process June 2021. Collection method: clinical testing. Allele origin: germline. Affected: yes.
Comment: Not observed at significant frequency in large population cohorts (Lek et al., 2016); In silico analysis supports that this missense variant does not alter protein structure/function; Has not been previously published as pathogenic or benign to our knowledge; This variant is associated with the following publications: (PMID: 27535533)

Department of Pathology and Laboratory Medicine, Sinai Health System
Classification: Uncertain significance for Colorectal cancer, susceptibility to, 12; Facial dysmorphism-immunodeficiency-livedo-short stature syndrome; Intrauterine growth retardation, metaphyseal dysplasia, adrenal hypoplasia congenita, genital anomalies, and immunodeficiency. Last evaluated: 2019-12-03. Review status: criteria provided, single submitter. Criteria: ACMG Guidelines, 2015. Collection method: clinical testing. Allele origin: germline. Affected: yes.